The following is an entry in ClinVar:

ClinVar aggregate classification (germline): Uncertain significance (1 of 4 stars; one submission).

Conditions:
Hereditary cancer-predisposing syndrome. Also called: Hereditary Cancer Syndrome; Hereditary neoplastic syndrome; Neoplastic Syndromes, Hereditary; Tumor predisposition. Identifiers: Orphanet 140162, MedGen C0027672, MeSH D009386, MONDO:0015356.

Submission:

Ambry Genetics
Classification: Uncertain significance for Hereditary cancer-predisposing syndrome. Last evaluated: 2025-05-31. Review status: criteria provided, single submitter. Criteria: Ambry Variant Classification Scheme 2023. Collection method: clinical testing. Allele origin: germline.
Comment: The p.T391I variant (also known as c.1172C>T), located in coding exon 12 of the NF2 gene, results from a C to T substitution at nucleotide position 1172. The threonine at codon 391 is replaced by isoleucine, an amino acid with similar properties. This amino acid position is conserved. In addition, the in silico prediction for this alteration is inconclusive. Based on the available evidence, the clinical significance of this variant remains unclear.

NM_000268.4(NF2):c.1172C>T (p.Thr391Ile)

Gene: NF2 (NF2, moesin-ezrin-radixin like (MERLIN) tumor suppressor; plus strand). Cytogenetic location: 22q12.2.
Variant type: single nucleotide variant.
Coding change: c.1172C>T on transcript NM_000268.4 (MANE Select); coding-DNA position 1172, C replaced by T.
Protein change: p.Thr391Ile; replaces threonine 391 with isoleucine.
Molecular consequence: missense variant. On other transcripts: intron variant (1).
Genome position (GRCh38, 1-based): chr22:29,673,318, C>T. VCF-style: chr22-29673318-C-T. GRCh37 (hg19) VCF-style: chr22-30069307-C-T.
Other names: c.1058C>T, p.Thr353Ile (NM_001407053.1, NM_001407056.1); c.1049C>T, p.Thr350Ile (NM_001407054.1, NM_001407058.1, NM_181829.3); c.1046C>T, p.Thr349Ile (NM_001407055.1, NM_181828.3); c.1037C>T, p.Thr346Ile (NM_001407057.1, NM_001407059.1); c.1172C>T, p.Thr391Ile (NM_001407060.1, NM_001407066.1, NM_016418.5 and 2 more transcripts); c.914C>T, p.Thr305Ile (NM_001407062.1); c.923C>T, p.Thr308Ile (NM_001407063.1, NM_001407064.1, NM_181830.3 and 1 more transcripts); c.638C>T, p.Thr213Ile (NM_001407065.1); and 2 more; short protein forms T314I, T346I, T349I, T213I, T305I, T350I, T353I, T308I.
Identifiers: ClinVar variation 3919118 (VCV003919118.1).